The following is an entry in ClinVar:

ClinVar aggregate classification (germline): Uncertain significance (1 of 4 stars; one submission).

Submission:

Ambry Genetics
Classification: Uncertain significance. Last evaluated: 2022-09-01. Review status: criteria provided, single submitter. Criteria: Ambry Variant Classification Scheme 2023. Collection method: clinical testing. Allele origin: germline.
Comment: The p.A187V variant (also known as c.560C>T), located in coding exon 5 of the RINT1 gene, results from a C to T substitution at nucleotide position 560. The alanine at codon 187 is replaced by valine, an amino acid with similar properties. This amino acid position is conserved. In addition, the in silico prediction for this alteration is inconclusive. Since supporting evidence is limited at this time, the clinical significance of this alteration remains unclear.

NM_021930.6(RINT1):c.560C>T (p.Ala187Val)

Gene: RINT1 (RAD50 interactor 1; plus strand). Cytogenetic location: 7q22.3.
Variant type: single nucleotide variant.
Coding change: c.560C>T on transcript NM_021930.6 (MANE Select); coding-DNA position 560, C replaced by T.
Protein change: p.Ala187Val; replaces alanine 187 with valine.
Molecular consequence: missense variant. On other transcripts: 5 prime UTR variant (2), non-coding transcript variant (1), intron variant (1).
Genome position (GRCh38, 1-based): chr7:105,546,954, C>T. VCF-style: chr7-105546954-C-T. GRCh37 (hg19) VCF-style: chr7-105187401-C-T.
Other names: c.326C>T, p.Ala109Val (NM_001346599.2); c.-460C>T (NM_001346600.2); c.-363C>T (NM_001346601.2); c.-27-3101C>T (NM_001346603.2); short protein forms A109V, A187V.
Identifiers: ClinVar variation 1748617 (VCV001748617.2), dbSNP rs2133386289, ClinGen allele CA368805356.